The following is an entry in ClinVar:

NM_001365999.1(SZT2):c.2237T>G (p.Leu746Arg)

Gene: SZT2 (SZT2 subunit of KICSTOR complex; plus strand). Cytogenetic location: 1p34.2.
Variant type: single nucleotide variant.
Coding change: c.2237T>G on transcript NM_001365999.1 (MANE Select); coding-DNA position 2237, T replaced by G.
Protein change: p.Leu746Arg; replaces leucine 746 with arginine.
Molecular consequence: missense variant.
Genome position (GRCh38, 1-based): chr1:43,423,298, T>G. VCF-style: chr1-43423298-T-G. GRCh37 (hg19) VCF-style: chr1-43888969-T-G.
Other names: c.2237T>G, p.Leu746Arg (NM_015284.4); short protein forms L746R.
Identifiers: ClinVar variation 1511095 (VCV001511095.6), dbSNP rs1264857110, ClinGen allele CA340011452.
Genomic context (GRCh38, chr1:43,423,298, plus strand): 5'-TGCTGGGGCCACAGCAGGCCCTGTCTGACCGGCCCTGCCTTGTGGTCCTGCATAAGCCAC[T>G]GGACAAACTGCTCATCAGGTTGGTACAGAGGTGTGGAAGGGCGTGGCTTAGCAGGGTATG-3'
Protein context (NP_001352928.1, residues 736-756): RPCLVVLHKP[Leu746Arg]DKLLIRYEKL

ClinVar aggregate classification (germline): Uncertain significance (1 of 4 stars; one submission).

Allele frequency attached by ClinVar (database versions not stated): TOPMed below 0.00001; gnomAD exomes 0.00001.
gnomAD v4.1: 1 of 1,542,860 alleles (0.000065%); highest among the groups gnomAD compares: Admixed American, 0.0019%; no homozygotes.

Submission:

Labcorp Genetics (formerly Invitae), Labcorp
Classification: Uncertain significance. Last evaluated: 2021-11-30. Review status: criteria provided, single submitter. Criteria: Invitae Variant Classification Sherloc (09022015). Collection method: clinical testing. Allele origin: germline.
Comment: This variant has not been reported in the literature in individuals affected with SZT2-related conditions. In summary, the available evidence is currently insufficient to determine the role of this variant in disease. Therefore, it has been classified as a Variant of Uncertain Significance. Algorithms developed to predict the effect of missense changes on protein structure and function are either unavailable or do not agree on the potential impact of this missense change (SIFT: "Deleterious"; PolyPhen-2: "Probably Damaging"; Align-GVGD: "Class C0"). This variant is present in population databases (no rsID available, gnomAD 0.004%). This sequence change replaces leucine, which is neutral and non-polar, with arginine, which is basic and polar, at codon 746 of the SZT2 protein (p.Leu746Arg).